The following is an entry in ClinVar:

NM_001099402.2(CCNK):c.846_854dup (p.Val288_Gln289insProGlnVal)

Genes: CCDC85C (coiled-coil domain containing 85C; minus strand), CCNK (cyclin K; plus strand). Cytogenetic location: 14q32.2.
Variant type: Duplication.
Coding change: c.846_854dup on transcript NM_001099402.2 (MANE Select); coding-DNA positions 846 to 854, 9 bases duplicated (ACCACAAGT; older notation c.846_854dupACCACAAGT).
Protein change: p.Val288_Gln289insProGlnVal.
Molecular consequence: inframe insertion. On other transcripts: 3 prime UTR variant (1).
Genome position (GRCh38, 1-based): chr14:99,502,819-99,502,827, ACCACAAGT duplicated. VCF-style (leftmost placement, unchanged base first): chr14-99502818-C-CACCACAAGT. GRCh37 (hg19) VCF-style: chr14-99969155-C-CACCACAAGT.
Other names: c.*12419_*12427dup (NM_001144995.2).
Identifiers: ClinVar variation 4685126 (VCV004685126.1).

ClinVar aggregate classification (germline): Uncertain significance (1 of 4 stars; one submission).

Submission:

GeneDx
Classification: Uncertain significance. Last evaluated: 2024-08-09. Review status: criteria provided, single submitter. Criteria: GeneDx Variant Classification Process June 2021. Collection method: clinical testing. Allele origin: germline. Affected: yes.
Comment: Not observed at significant frequency in large population cohorts (gnomAD); In-frame duplication of 3 amino acids in a non-repeat region; Has not been previously published as pathogenic or benign to our knowledge; Variants in candidate genes are classified as variants of uncertain significance in accordance with ACMG guidelines (PMID: 25741868)